The following is an entry in ClinVar:

ClinVar aggregate classification (germline): Uncertain significance. Review status: criteria provided, multiple submitters, no conflicts (2 of 4 stars). 2 submissions from 2 submitters: Uncertain significance (2). Last evaluated 2024-08-01.

Conditions:
Multiple congenital anomalies-hypotonia-seizures syndrome 2 (MCAHS2). Also called: EPILEPTIC ENCEPHALOPATHY, EARLY INFANTILE, 20; GLYCOSYLPHOSPHATIDYLINOSITOL BIOSYNTHESIS DEFECT 4. Identifiers: Orphanet 300496, MedGen C3275508, MONDO:0010466, OMIM 300868.

Submissions (2):

3billion
Classification: Uncertain significance for Multiple congenital anomalies-hypotonia-seizures syndrome 2. Last evaluated: 2024-08-01. Review status: criteria provided, single submitter. Criteria: ACMG Guidelines, 2015. Collection method: clinical testing. Allele origin: germline. Affected: yes.
Comment: The variant is not observed in the gnomAD v4.0.0 dataset. Predicted Consequence/Location: Missense variant In silico tool predictions suggest damaging effect of the variant on gene or gene product [REVEL: 0.74 (>=0.6, sensitivity 0.68 and specificity 0.92); 3Cnet: 0.98 (>=0.6, sensitivity 0.72 and precision 0.9)]. The variant has been reported as of uncertain significance (ClinVar ID: VCV000945994). Therefore, this variant is classified as VUS according to the recommendation of ACMG/AMP guideline.

Labcorp Genetics (formerly Invitae), Labcorp
Classification: Uncertain significance for Multiple congenital anomalies-hypotonia-seizures syndrome 2. Last evaluated: 2019-07-27. Review status: criteria provided, single submitter. Criteria: Invitae Variant Classification Sherloc (09022015). Collection method: clinical testing. Allele origin: germline.
Comment: In summary, the available evidence is currently insufficient to determine the role of this variant in disease. Therefore, it has been classified as a Variant of Uncertain Significance. Algorithms developed to predict the effect of missense changes on protein structure and function are either unavailable or do not agree on the potential impact of this missense change (SIFT: "Deleterious"; PolyPhen-2: "Probably Damaging"; Align-GVGD: "Class C0"). This variant has been observed in individuals affected with clinical features of PIGA-related conditions (PMID: 29310717). This variant is not present in population databases (ExAC no frequency). This sequence change replaces lysine with glutamic acid at codon 189 of the PIGA protein (p.Lys189Glu). The lysine residue is highly conserved and there is a small physicochemical difference between lysine and glutamic acid.

Literature cited by the submitters: PubMed 29310717 (cited by Labcorp Genetics (formerly Invitae), Labcorp).

NM_002641.4(PIGA):c.565A>G (p.Lys189Glu)

Gene: PIGA (phosphatidylinositol glycan anchor biosynthesis class A; minus strand). Cytogenetic location: Xp22.2.
Variant type: single nucleotide variant.
Coding change: c.565A>G on transcript NM_002641.4 (MANE Select); coding-DNA position 565, A replaced by G.
Protein change: p.Lys189Glu; replaces lysine 189 with glutamic acid.
Molecular consequence: missense variant. On other transcripts: intron variant (1).
Genome position (GRCh38, 1-based): chrX:15,331,366, T>C on the plus strand (A>G on the coding strand, the complement: PIGA is on the minus strand). VCF-style: chrX-15331366-T-C. GRCh37 (hg19) VCF-style: chrX-15349488-T-C.
Other names: c.13+4135A>G (NM_020473.3); short protein forms K189E.
Identifiers: ClinVar variation 945994 (VCV000945994.11), dbSNP rs1922149379, ClinGen allele CA412339109.
Genomic context (GRCh38, chrX:15,331,366, plus strand): 5'-CATTAGGAATGACGGACACTATTTCAGGATTCAGTGCTGCTCTTAGTACAGTATTTTCCT[T>C]ACTAGTATAAGACACACAAATGATGTGGTTTGTATCACAAAGAGACACGGTTAGAAGCTT-3'
Protein context (NP_002632.1, residues 179-199): NHIICVSYTS[Lys189Glu]ENTVLRAALN